The following is an entry in ClinVar:

ClinVar aggregate classification (germline): Uncertain significance. Review status: criteria provided, multiple submitters, no conflicts (2 of 4 stars). 2 submissions from 2 submitters: Uncertain significance (2). Last evaluated 2025-11-10.

Conditions:
Cholestasis, progressive familial intrahepatic, 8. Identifiers: MedGen C5562045, MONDO:0030505, OMIM 619662.

Submissions (2):

Labcorp Genetics (formerly Invitae), Labcorp
Classification: Uncertain significance. Last evaluated: 2025-11-10. Review status: criteria provided, single submitter. Criteria: Invitae Variant Classification Sherloc (09022015). Collection method: clinical testing. Allele origin: germline.
Comment: This sequence change is expected to alter the c-terminus of the KIF12 protein (p.Gln496Serfs*30). While this is not anticipated to result in nonsense mediated decay, it is expected to disrupt the last 18 amino acid(s) of the KIF12 protein and extend the protein by 11 additional amino acid residues. This variant is present in population databases (rs776506245, gnomAD 0.09%). This variant has not been reported in the literature in individuals affected with KIF12-related conditions. ClinVar contains an entry for this variant (Variation ID: 2065343). Experimental studies and prediction algorithms are not available or were not evaluated, and the functional significance of this variant is currently unknown. In summary, the available evidence is currently insufficient to determine the role of this variant in disease. Therefore, it has been classified as a Variant of Uncertain Significance.

Department of Pathology and Laboratory Medicine, Sinai Health System
Classification: Uncertain significance for Cholestasis, progressive familial intrahepatic, 8. Last evaluated: 2023-05-01. Review status: criteria provided, single submitter. Criteria: ACMG Guidelines, 2015. Collection method: research. Allele origin: germline.

NM_001388308.1(KIF12):c.1900del (p.Gln634fs)

Gene: KIF12 (kinesin family member 12; minus strand). Cytogenetic location: 9q32.
Variant type: Deletion.
Coding change: c.1900del on transcript NM_001388308.1 (MANE Select); coding-DNA position 1900, one base deleted (C; older notation c.1900delC).
Protein change: p.Gln634fs; shifts the reading frame from glutamine 634.
Molecular consequence: frameshift variant.
Genome position (GRCh38, 1-based): chr9:114,091,917, G deleted on the plus strand (C on the coding strand, the reverse complement: KIF12 is on the minus strand); the first of 2 consecutive G bases (chr9:114,091,917-114,091,918); deleting either gives the same sequence. VCF-style (leftmost placement, unchanged base first): chr9-114091916-TG-T. GRCh37 (hg19) VCF-style: chr9-116854196-TG-T.
Other names: c.1486del, p.Gln496fs (NM_138424.2); short protein forms Q634fs, Q496fs.
Identifiers: ClinVar variation 2065343 (VCV002065343.3), dbSNP rs776506245, ClinGen allele CA5200362.